The following is an entry in ClinVar:

ClinVar aggregate classification (germline): Pathogenic (0 of 4 stars; one submission).

Conditions:
Geleophysic dysplasia 2 (GPHYSD2). Identifiers: Orphanet 2623, MedGen C3280054, MONDO:0013612, OMIM 614185.

Submission:

Pediatric Department, The First Affiliated Hospital of Guangxi Medical University
Classification: Pathogenic for Geleophysic dysplasia 2. Last evaluated: 2018-10-27. Review status: no assertion criteria provided. Collection method: clinical testing. Allele origin: somatic. Inheritance: Autosomal dominant inheritance. Affected: yes. Observed: 1 heterozygote.
Comment: This mutation is identified as the cause of geleophysic dysplasia for the first time.

Literature cited by the submitters: PubMed 25142510.

NM_000138.5(FBN1):c.5243G>T (p.Cys1748Phe)

Gene: FBN1 (fibrillin 1; minus strand). Cytogenetic location: 15q21.1.
Variant type: single nucleotide variant.
Coding change: c.5243G>T on transcript NM_000138.5 (MANE Select); coding-DNA position 5243, G replaced by T.
Protein change: p.Cys1748Phe; replaces cysteine 1748 with phenylalanine.
Molecular consequence: missense variant.
Genome position (GRCh38, 1-based): chr15:48,460,299, C>A on the plus strand (G>T on the coding strand, the complement: FBN1 is on the minus strand). VCF-style: chr15-48460299-C-A. GRCh37 (hg19) VCF-style: chr15-48752496-C-A.
Other names: short protein forms C1748F.
Identifiers: ClinVar variation 590974 (VCV000590974.3), dbSNP rs1566902569, ClinGen allele CA392348065.
Genomic context (GRCh38, chr15:48,460,299, plus strand): 5'-GACTCACCAACGGGTAAACCGGTATAAATGTCGATGACAAAGCCTGGCCTTTGACTTCCA[C>A]AGAGTGTAGCAAACTCATCTGCAATGATTAAACAAAGGTGGGATGGGAGGATAGGGGTCA-3'
Protein context (NP_000129.3, residues 1738-1758): IPSTDEFATL[Cys1748Phe]GSQRPGFVID